The following is an entry in ClinVar:

NM_001913.5(CUX1):c.1627G>C (p.Asp543His)

Gene: CUX1 (cut like homeobox 1; plus strand). Cytogenetic location: 7q22.1.
Variant type: single nucleotide variant.
Coding change: c.1627G>C on transcript NM_001913.5 (MANE Plus Clinical); coding-DNA position 1627, G replaced by C.
Protein change: p.Asp543His; replaces aspartic acid 543 with histidine.
Molecular consequence: missense variant.
Genome position (GRCh38, 1-based): chr7:102,278,012, G>C. VCF-style: chr7-102278012-G-C. GRCh37 (hg19) VCF-style: chr7-101921283-G-C.
Other names: c.1579G>C, p.Asp527His (NM_001202544.3); c.1489G>C, p.Asp497His (NM_001202545.3); c.1510G>C, p.Asp504His (NM_001202546.3); c.1621G>C, p.Asp541His (NM_181500.4); short protein forms D504H, D527H, D497H, D541H, D543H.
Identifiers: ClinVar variation 5009699 (VCV005009699.2).

ClinVar aggregate classification (germline): Uncertain significance (1 of 4 stars; one submission).

Submission:

GeneDx
Classification: Uncertain significance. Last evaluated: 2026-10-06. Review status: criteria provided, single submitter. Criteria: GeneDx Variant Classification Process June 2021. Collection method: clinical testing. Allele origin: germline.
Comment: Not observed at significant frequency in large population cohorts (gnomAD); In silico analysis supports that this missense variant has a deleterious effect on protein structure/function; Has not been previously published as pathogenic or benign to our knowledge; Reported using an alternate transcript of the gene